The following is an entry in ClinVar:

ClinVar aggregate classification (germline): Benign/Likely benign. Review status: criteria provided, multiple submitters, no conflicts (2 of 4 stars). 6 submissions from 6 submitters: Benign (2); Likely benign (3). 1 of the submissions does not count toward it. Last evaluated 2025-12-30.

Conditions:
FAT1-related disorder. Also called: FAT1-related condition.

Allele frequency attached by ClinVar (database versions not stated): 1000 Genomes Project 0.00260; 1000 Genomes Project 30x 0.00328; ExAC 0.00409; gnomAD exomes 0.00417; ESP Exome Variant Server 0.00424; gnomAD 0.00446 and 0.00461; TOPMed 0.00481.
gnomAD v4.1: 7,824 of 1,613,942 alleles (0.48%); highest among the groups gnomAD compares: Admixed American, 0.63%; 27 homozygotes.

Submissions (6):

Labcorp Genetics (formerly Invitae), Labcorp
Classification: Benign. Last evaluated: 2025-12-30. Review status: criteria provided, single submitter. Criteria: Invitae Variant Classification Sherloc (09022015). Collection method: clinical testing. Allele origin: germline.

Mayo Clinic Laboratories, Mayo Clinic
Classification: Likely benign. Last evaluated: 2025-08-05. Review status: criteria provided, single submitter. Criteria: ACMG Guidelines, 2015. Collection method: clinical testing. Allele origin: germline. Observed: 1 variant allele.
Comment: BS1, BP4, BP7

CeGaT Center for Human Genetics Tuebingen
Classification: Likely benign. Last evaluated: 2025-04-01. Review status: criteria provided, single submitter. Criteria: CeGaT Center For Human Genetics Tuebingen Variant Classification Criteria Version 2. Collection method: clinical testing. Allele origin: germline. Affected: yes. Observed: 5 variant alleles.
Comment: FAT1: BP4, BP7, BS2

Blueprint Genetics
Classification: Likely benign. Last evaluated: 2024-11-21. Review status: criteria provided, single submitter. Criteria: ACMG Guidelines, 2015. Collection method: clinical testing. Allele origin: germline.

Breakthrough Genomics
Classification: Benign. Review status: criteria provided, single submitter. Criteria: ACMG Guidelines, 2015. Collection method: not provided. Allele origin: germline. Inheritance: Unknown mechanism. Affected: yes.

PreventionGenetics, part of Exact Sciences
Classification: Benign for FAT1-related condition. Last evaluated: 2021-07-28. Review status: no assertion criteria provided. Collection method: clinical testing. Allele origin: germline. Not counted in ClinVar's aggregate classification.
Comment: This variant is classified as benign based on ACMG/AMP sequence variant interpretation guidelines (Richards et al. 2015 PMID: 25741868, with internal and published modifications).

NM_005245.4(FAT1):c.2163G>A (p.Pro721=)

Gene: FAT1 (FAT atypical cadherin 1; minus strand). Cytogenetic location: 4q35.2.
Variant type: single nucleotide variant.
Coding change: c.2163G>A on transcript NM_005245.4 (MANE Select); coding-DNA position 2163, G replaced by A.
Protein change: p.Pro721=; no amino-acid change (proline 721 retained).
Molecular consequence: synonymous variant.
Genome position (GRCh38, 1-based): chr4:186,707,665, C>T on the plus strand (G>A on the coding strand, the complement: FAT1 is on the minus strand). VCF-style: chr4-186707665-C-T. GRCh37 (hg19) VCF-style: chr4-187628819-C-T.
Other names: p.Pro721=.
Identifiers: ClinVar variation 770354 (VCV000770354.37), dbSNP rs140935307, ClinGen allele CA3167311.